The following is an entry in ClinVar:

ClinVar aggregate classification (germline): Uncertain significance (1 of 4 stars; one submission).

Conditions:
Inborn genetic diseases. Identifiers: MedGen C0950123, MeSH D030342.

gnomAD v4.1: 2 of 1,613,964 alleles (0.00012%); highest among the groups gnomAD compares: Admixed American, 0.0017%; no homozygotes.

Submission:

Ambry Genetics
Classification: Uncertain significance for Inborn genetic diseases. Last evaluated: 2025-01-05. Review status: criteria provided, single submitter. Criteria: Ambry Variant Classification Scheme 2023. Collection method: clinical testing. Allele origin: germline.
Comment: The p.T298A variant (also known as c.892A>G), located in coding exon 9 of the ANKRD26 gene, results from an A to G substitution at nucleotide position 892. The threonine at codon 298 is replaced by alanine, an amino acid with similar properties. This amino acid position is conserved. In addition, this alteration is predicted to be tolerated by in silico analysis. Based on the available evidence, the clinical significance of this variant remains unclear.

NM_014915.3(ANKRD26):c.892A>G (p.Thr298Ala)

Gene: ANKRD26 (ankyrin repeat domain containing 26; minus strand). Cytogenetic location: 10p12.1.
Variant type: single nucleotide variant.
Coding change: c.892A>G on transcript NM_014915.3 (MANE Select); coding-DNA position 892, A replaced by G.
Protein change: p.Thr298Ala; replaces threonine 298 with alanine.
Molecular consequence: missense variant.
Genome position (GRCh38, 1-based): chr10:27,077,523, T>C on the plus strand (A>G on the coding strand, the complement: ANKRD26 is on the minus strand). VCF-style: chr10-27077523-T-C. GRCh37 (hg19) VCF-style: chr10-27366452-T-C.
Other names: c.892A>G, p.Thr298Ala (NM_001256053.2); short protein forms T298A.
Identifiers: ClinVar variation 3870028 (VCV003870028.1).